The following is an entry in ClinVar:

NM_000455.5(STK11):c.759C>T (p.Tyr253=)

Gene: STK11 (serine/threonine kinase 11; plus strand). Cytogenetic location: 19p13.3.
Variant type: single nucleotide variant.
Coding change: c.759C>T on transcript NM_000455.5 (MANE Select); coding-DNA position 759, C replaced by T.
Protein change: p.Tyr253=; no amino-acid change (tyrosine 253 retained).
Molecular consequence: synonymous variant.
Genome position (GRCh38, 1-based): chr19:1,221,237, C>T. VCF-style: chr19-1221237-C-T. GRCh37 (hg19) VCF-style: chr19-1221236-C-T.
Identifiers: ClinVar variation 384754 (VCV000384754.19), dbSNP rs137853075, ClinGen allele CA16607690.

ClinVar aggregate classification (germline): Benign/Likely benign. Review status: criteria provided, multiple submitters, no conflicts (2 of 4 stars). 6 submissions from 6 submitters: Benign (1); Likely benign (5). Last evaluated 2026-06-01.

Conditions:
Hereditary cancer-predisposing syndrome. Also called: Neoplastic Syndromes, Hereditary; Hereditary neoplastic syndrome; Tumor predisposition; Hereditary Cancer Syndrome. Identifiers: Orphanet 140162, MedGen C0027672, MeSH D009386, MONDO:0015356.
Peutz-Jeghers syndrome (PJS). Also called: Peutz-Jeghers polyposis; Periorificial lentiginosis syndrome; POLYPOSIS, HAMARTOMATOUS INTESTINAL; POLYPS-AND-SPOTS SYNDROME. Identifiers: Orphanet 2869, MedGen C0031269, MeSH D010580, MONDO:0008280, OMIM 175200.

Allele frequency attached by ClinVar (database versions not stated): gnomAD exomes below 0.00001.
gnomAD v4.1: 1 of 1,612,602 alleles (0.000062%); highest among the groups gnomAD compares: Non-Finnish European, 0.000085%; no homozygotes.

Submissions (6):

CeGaT Center for Human Genetics Tuebingen
Classification: Likely benign. Last evaluated: 2026-06-01. Review status: criteria provided, single submitter. Criteria: CeGaT Center For Human Genetics Tuebingen Variant Classification Criteria Version 2. Collection method: clinical testing. Allele origin: germline. Affected: yes. Observed: 1 variant allele.
Comment: STK11: BP4, BP7

Labcorp Genetics (formerly Invitae), Labcorp
Classification: Likely benign for Peutz-Jeghers syndrome. Last evaluated: 2025-09-02. Review status: criteria provided, single submitter. Criteria: Invitae Variant Classification Sherloc (09022015). Collection method: clinical testing. Allele origin: germline.

Myriad Genetics, Inc.
Classification: Benign for Peutz-Jeghers syndrome. Last evaluated: 2025-03-27. Review status: criteria provided, single submitter. Criteria: Myriad Autosomal Dominant, Autosomal Recessive and X-Linked Classification Criteria (2023). Collection method: clinical testing. Allele origin: unknown.
Comment: This variant is considered benign. This variant is a silent/synonymous amino acid change and it is not expected to impact splicing.

Ambry Genetics
Classification: Likely benign for Hereditary cancer-predisposing syndrome. Last evaluated: 2018-09-30. Review status: criteria provided, single submitter. Criteria: Ambry Variant Classification Scheme 2023. Collection method: clinical testing. Allele origin: germline.

GeneDx
Classification: Likely benign. Last evaluated: 2017-12-28. Review status: criteria provided, single submitter. Criteria: GeneDx Variant Classification (06012015). Collection method: clinical testing. Allele origin: germline. Affected: yes.
Comment: This variant is considered likely benign or benign based on one or more of the following criteria: it is a conservative change, it occurs at a poorly conserved position in the protein, it is predicted to be benign by multiple in silico algorithms, and/or has population frequency not consistent with disease.

Color Diagnostics, LLC DBA Color Health
Classification: Likely benign for Hereditary cancer-predisposing syndrome. Last evaluated: 2017-05-25. Review status: criteria provided, single submitter. Criteria: ACMG Guidelines, 2015. Collection method: clinical testing. Allele origin: germline.